The following is an entry in ClinVar:

ClinVar aggregate classification (germline): Uncertain significance (1 of 4 stars; one submission).

Submission:

Ambry Genetics
Classification: Uncertain significance. Last evaluated: 2023-03-17. Review status: criteria provided, single submitter. Criteria: Ambry Variant Classification Scheme 2023. Collection method: clinical testing. Allele origin: germline.
Comment: The p.N451I variant (also known as c.1352A>T), located in coding exon 8 of the GALNT12 gene, results from an A to T substitution at nucleotide position 1352. The asparagine at codon 451 is replaced by isoleucine, an amino acid with dissimilar properties. This amino acid position is conserved. In addition, the in silico prediction for this alteration is inconclusive. Since supporting evidence is limited at this time, the clinical significance of this alteration remains unclear.

NM_024642.5(GALNT12):c.1352A>T (p.Asn451Ile)

Gene: GALNT12 (polypeptide N-acetylgalactosaminyltransferase 12; plus strand). Cytogenetic location: 9q22.33.
Variant type: single nucleotide variant.
Coding change: c.1352A>T on transcript NM_024642.5 (MANE Select); coding-DNA position 1352, A replaced by T.
Protein change: p.Asn451Ile; replaces asparagine 451 with isoleucine.
Molecular consequence: missense variant.
Genome position (GRCh38, 1-based): chr9:98,844,103, A>T. VCF-style: chr9-98844103-A-T. GRCh37 (hg19) VCF-style: chr9-101606385-A-T.
Other names: short protein forms N451I.
Identifiers: ClinVar variation 2560999 (VCV002560999.2), dbSNP rs2490552138, ClinGen allele CA374221301.